The following is an entry in ClinVar:

NM_004380.3(CREBBP):c.4634G>T (p.Trp1545Leu)

Gene: CREBBP (CREB binding lysine acetyltransferase; minus strand). Cytogenetic location: 16p13.3.
Variant type: single nucleotide variant.
Coding change: c.4634G>T on transcript NM_004380.3 (MANE Select); coding-DNA position 4634, G replaced by T.
Protein change: p.Trp1545Leu; replaces tryptophan 1545 with leucine.
Molecular consequence: missense variant.
Genome position (GRCh38, 1-based): chr16:3,736,130, C>A on the plus strand (G>T on the coding strand, the complement: CREBBP is on the minus strand). VCF-style: chr16-3736130-C-A. GRCh37 (hg19) VCF-style: chr16-3786131-C-A.
Other names: c.4520G>T, p.Trp1507Leu (NM_001079846.1); short protein forms W1507L, W1545L.
Identifiers: ClinVar variation 4086391 (VCV004086391.1).

ClinVar aggregate classification (germline): Uncertain significance (1 of 4 stars; one submission).

Submission:

GeneDx
Classification: Uncertain significance. Last evaluated: 2025-03-20. Review status: criteria provided, single submitter. Criteria: GeneDx Variant Classification Process June 2021. Collection method: clinical testing. Allele origin: germline. Affected: yes.
Comment: Not observed at significant frequency in large population cohorts (gnomAD); In silico analysis supports that this missense variant has a deleterious effect on protein structure/function; Has not been previously published as pathogenic or benign to our knowledge; This variant is associated with the following publications: (PMID: 12070251)